The following is an entry in ClinVar:

ClinVar aggregate classification (germline): Benign/Likely benign. Review status: criteria provided, multiple submitters, no conflicts (2 of 4 stars). 4 submissions from 4 submitters: Benign (3); Likely benign (1). Last evaluated 2026-02-02.

Allele frequency attached by ClinVar (database versions not stated): gnomAD exomes 0.00072 and 0.00174; ExAC 0.00214; 1000 Genomes Project 0.00719; gnomAD 0.00748 and 0.00807; 1000 Genomes Project 30x 0.00781; TOPMed 0.00805; ESP Exome Variant Server 0.00815.

Submissions (4):

Labcorp Genetics (formerly Invitae), Labcorp
Classification: Benign. Last evaluated: 2026-02-02. Review status: criteria provided, single submitter. Criteria: Invitae Variant Classification Sherloc (09022015). Collection method: clinical testing. Allele origin: germline.

Mendelics
Classification: Benign. Last evaluated: 2019-05-28. Review status: criteria provided, single submitter. Criteria: Mendelics Assertion Criteria 2017. Collection method: clinical testing. Allele origin: unknown.

GeneDx
Classification: Likely benign. Last evaluated: 2016-07-19. Review status: criteria provided, single submitter. Criteria: GeneDx Variant Classification (06012015). Collection method: clinical testing. Allele origin: germline. Affected: yes.
Comment: This variant is considered likely benign or benign based on one or more of the following criteria: it is a conservative change, it occurs at a poorly conserved position in the protein, it is predicted to be benign by multiple in silico algorithms, and/or has population frequency not consistent with disease.

Eurofins Ntd Llc (ga)
Classification: Benign. Last evaluated: 2014-08-25. Review status: criteria provided, single submitter. Criteria: EGL Classification Definitions 2015. Collection method: clinical testing. Allele origin: germline. Observed: 2 variant alleles, 2 heterozygotes.

NM_000327.4(ROM1):c.868del (p.Gln290fs)

Gene: ROM1 (retinal outer segment membrane protein 1; plus strand). Cytogenetic location: 11q12.3.
Variant type: Deletion.
Coding change: c.868del on transcript NM_000327.4 (MANE Select); coding-DNA position 868, one base deleted (C; older notation c.868delC).
Protein change: p.Gln290fs; shifts the reading frame from glutamine 290.
Molecular consequence: frameshift variant.
Genome position (GRCh38, 1-based): chr11:62,614,651, C deleted. VCF-style (leftmost placement, unchanged base first): chr11-62614650-GC-G. GRCh37 (hg19) VCF-style: chr11-62382122-GC-G.
Other names: c.868delC (NM_000327.3); short protein forms Q290fs.
Identifiers: ClinVar variation 196252 (VCV000196252.20), dbSNP rs548233813, ClinGen allele CA202240.